The following is an entry in ClinVar:

ClinVar aggregate classification (germline): Likely benign (1 of 4 stars; one submission).

Allele frequency attached by ClinVar (database versions not stated): 1000 Genomes Project 30x 0.00109; 1000 Genomes Project 0.00120; TOPMed 0.00298; gnomAD 0.00304; ExAC 0.00327; ESP Exome Variant Server 0.00398.
gnomAD v4.1: 7,479 of 1,614,048 alleles (0.46%); highest among the groups gnomAD compares: Non-Finnish European, 0.59%; 21 homozygotes.

Submission:

CeGaT Center for Human Genetics Tuebingen
Classification: Likely benign. Last evaluated: 2022-07-01. Review status: criteria provided, single submitter. Criteria: CeGaT Center For Human Genetics Tuebingen Variant Classification Criteria Version 2. Collection method: clinical testing. Allele origin: germline. Affected: yes. Observed: 1 variant allele.
Comment: RASGRP3: BP4, BP7

NM_001139488.2(RASGRP3):c.903C>A (p.Ile301=)

Gene: RASGRP3 (RAS guanyl releasing protein 3; plus strand). Cytogenetic location: 2p22.3.
Variant type: single nucleotide variant.
Coding change: c.903C>A on transcript NM_001139488.2 (MANE Select); coding-DNA position 903, C replaced by A.
Protein change: p.Ile301=; no amino-acid change (isoleucine 301 retained).
Molecular consequence: synonymous variant.
Genome position (GRCh38, 1-based): chr2:33,527,232, C>A. VCF-style: chr2-33527232-C-A. GRCh37 (hg19) VCF-style: chr2-33752299-C-A.
Other names: c.903C>A, p.Ile301= (NM_001349975.2, NM_001349976.2, NM_001349977.2 and 6 more transcripts).
Identifiers: ClinVar variation 2650821 (VCV002650821.24), dbSNP rs34636269, ClinGen allele CA1608688.